The following is an entry in ClinVar:

ClinVar aggregate classification (germline): Pathogenic (1 of 4 stars; one submission).

Submission:

Labcorp Genetics (formerly Invitae), Labcorp
Classification: Pathogenic. Last evaluated: 2024-10-21. Review status: criteria provided, single submitter. Criteria: Invitae Variant Classification Sherloc (09022015). Collection method: clinical testing. Allele origin: germline.
Comment: This sequence change creates a premature translational stop signal (p.Thr720Asnfs*5) in the ASPM gene. It is expected to result in an absent or disrupted protein product. Loss-of-function variants in ASPM are known to be pathogenic (PMID: 19028728, 23611254). This variant is not present in population databases (gnomAD no frequency). This variant has not been reported in the literature in individuals affected with ASPM-related conditions. For these reasons, this variant has been classified as Pathogenic.

Literature cited by the submitters: PubMed 19028728; PubMed 23611254.

NM_018136.5(ASPM):c.2158dup (p.Thr720fs)

Gene: ASPM (assembly factor for spindle microtubules; minus strand). Cytogenetic location: 1q31.3.
Variant type: Duplication.
Coding change: c.2158dup on transcript NM_018136.5 (MANE Select); coding-DNA position 2158, one base duplicated (A; older notation c.2158dupA).
Protein change: p.Thr720fs; shifts the reading frame from threonine 720.
Molecular consequence: frameshift variant.
Genome position (GRCh38, 1-based): chr1:197,135,111, T duplicated on the plus strand (A on the coding strand, the reverse complement: ASPM is on the minus strand); the first of 5 consecutive T bases (chr1:197,135,111-197,135,115); duplicating any one gives the same sequence. VCF-style (leftmost placement, unchanged base first): chr1-197135110-G-GT. GRCh37 (hg19) VCF-style: chr1-197104240-G-GT.
Other names: c.2158dup, p.Thr720fs (NM_001206846.2); short protein forms T720fs.
Identifiers: ClinVar variation 3015515 (VCV003015515.3), dbSNP rs2527382078, ClinGen allele CA2740090426.
Genomic context (GRCh38, chr1:197,135,110, plus strand): 5'-ATCTGTTAAAAGTATTATTAAATTTAAACATTAATTTAACGTTTACCTTCAGAAATATTT[G>GT]TTTTTACAGTGAAGTCATCAGGGGTTAATATAAAATTTAACCACCAAGTGAAGCCCTGTT-3'